The following is an entry in ClinVar:

NM_153676.4(USH1C):c.551A>C (p.Tyr184Ser)

Gene: USH1C (USH1 protein network component harmonin; minus strand). Cytogenetic location: 11p15.1.
Variant type: single nucleotide variant.
Coding change: c.551A>C on transcript NM_153676.4 (MANE Select); coding-DNA position 551, A replaced by C.
Protein change: p.Tyr184Ser; replaces tyrosine 184 with serine.
Molecular consequence: missense variant. On other transcripts: non-coding transcript variant (1).
Genome position (GRCh38, 1-based): chr11:17,526,781, T>G on the plus strand (A>C on the coding strand, the complement: USH1C is on the minus strand). VCF-style: chr11-17526781-T-G. GRCh37 (hg19) VCF-style: chr11-17548328-T-G.
Other names: c.551A>C, p.Tyr184Ser (NM_001297764.2, NM_005709.4); c.551A>C (NM_005709.3); short protein forms Y184S.
Identifiers: ClinVar variation 2413279 (VCV002413279.3), dbSNP rs113015650, ClinGen allele CA5904977.
Genomic context (GRCh38, chr11:17,526,781, plus strand): 5'-CCAAACCCCATCACAGGAGGTCTGGCCCTTACCCCAGATTCCGACACAAACTGATCCACA[T>G]ACTGCCAAGTGAGGGGCTCATCAGGAGAGCTGATGGGAAGGGAAAATAGATGGGAGGGTG-3'
Protein context (NP_710142.1, residues 174-194): SSPDEPLTWQ[Tyr184Ser]VDQFVSESGG

ClinVar aggregate classification (germline): Uncertain significance. Review status: criteria provided, multiple submitters, no conflicts (2 of 4 stars). 2 submissions from 2 submitters: Uncertain significance (2). Last evaluated 2024-10-09.

Conditions:
Inborn genetic diseases. Identifiers: MedGen C0950123, MeSH D030342.

Allele frequency attached by ClinVar (database versions not stated): gnomAD 0.00001; gnomAD exomes 0.00001; ExAC 0.00002.
gnomAD v4.1: 16 of 1,613,946 alleles (0.00099%); highest among the groups gnomAD compares: South Asian, 0.015%; no homozygotes.

Submissions (2):

Ambry Genetics
Classification: Uncertain significance for Inborn genetic diseases. Last evaluated: 2024-10-09. Review status: criteria provided, single submitter. Criteria: Ambry Variant Classification Scheme 2023. Collection method: clinical testing. Allele origin: germline.

Labcorp Genetics (formerly Invitae), Labcorp
Classification: Uncertain significance. Last evaluated: 2021-09-24. Review status: criteria provided, single submitter. Criteria: Invitae Variant Classification Sherloc (09022015). Collection method: clinical testing. Allele origin: germline.
Comment: This sequence change replaces tyrosine with serine at codon 184 of the USH1C protein (p.Tyr184Ser). The tyrosine residue is moderately conserved and there is a large physicochemical difference between tyrosine and serine. This variant is present in population databases (rs113015650, ExAC 0.01%). This variant has not been reported in the literature in individuals with USH1C-related conditions. Algorithms developed to predict the effect of missense changes on protein structure and function (SIFT, PolyPhen-2, Align-GVGD) all suggest that this variant is likely to be tolerated, but these predictions have not been confirmed by published functional studies and their clinical significance is uncertain. In summary, the available evidence is currently insufficient to determine the role of this variant in disease. Therefore, it has been classified as a Variant of Uncertain Significance.